The following is an entry in ClinVar:

ClinVar aggregate classification (germline): Likely benign. Review status: criteria provided, multiple submitters, no conflicts (2 of 4 stars). 3 submissions from 3 submitters: Likely benign (3). Last evaluated 2026-07-23.

Conditions:
CLCN5-related disorder. Also called: CLCN5-related condition.
Dent disease type 1 (DENT1). Also called: NEPHROLITHIASIS 2; NEPHROLITHIASIS, HYPERCALCIURIC, X-LINKED. Identifiers: Orphanet 1652, Orphanet 93622, MedGen C1848336, MONDO:0010225, OMIM 300009.
Hypophosphatemic rickets, X-linked recessive (XLHRR). Identifiers: Orphanet 1652, Orphanet 93622, MedGen C1845168, MONDO:0010358, OMIM 300554.
X-linked recessive nephrolithiasis with renal failure (XRN). Also called: NEPHROLITHIASIS 1; NEPHROLITHIASIS, X-LINKED RECESSIVE, TYPE 1; UROLITHIASIS, X-LINKED RECESSIVE, TYPE 1. Identifiers: Orphanet 1652, Orphanet 93622, MedGen C0403720, MONDO:0010687, OMIM 310468.
Proteinuria, low molecular weight, with hypercalciuria and nephrocalcinosis. Identifiers: Orphanet 1652, Orphanet 93622, MedGen C1839874, MONDO:0010644, OMIM 308990.

Allele frequency attached by ClinVar (database versions not stated): gnomAD exomes 0.00002; gnomAD 0.00003; TOPMed 0.00006.
gnomAD v4.1: 24 of 1,208,550 alleles (0.002%); highest among the groups gnomAD compares: Non-Finnish European, 0.0023%; no homozygotes.

Submissions (3):

PreventionGenetics, part of Exact Sciences
Classification: Likely benign for CLCN5-related condition. Last evaluated: 2026-07-23. Review status: criteria provided, single submitter. Criteria: ACMG Guidelines, 2015. Collection method: clinical testing. Allele origin: germline.
Comment: This variant is classified as likely benign based on ACMG/AMP sequence variant interpretation guidelines (Richards et al. 2015 PMID: 25741868, with internal and published modifications).

Labcorp Genetics (formerly Invitae), Labcorp
Classification: Likely benign. Last evaluated: 2025-11-02. Review status: criteria provided, single submitter. Criteria: Invitae Variant Classification Sherloc (09022015). Collection method: clinical testing. Allele origin: germline.

Fulgent Genetics
Classification: Likely benign for Dent disease type 1; Hypophosphatemic rickets, X-linked recessive; Proteinuria, low molecular weight, with hypercalciuria and nephrocalcinosis; X-linked recessive nephrolithiasis with renal failure. Last evaluated: 2024-03-09. Review status: criteria provided, single submitter. Criteria: ACMG Guidelines, 2015. Collection method: clinical testing. Allele origin: germline.

NM_001127898.4(CLCN5):c.1185G>A (p.Leu395=)

Gene: CLCN5 (Cl-/H+ antiporter 5; plus strand). Cytogenetic location: Xp11.23.
Variant type: single nucleotide variant.
Coding change: c.1185G>A on transcript NM_001127898.4 (MANE Select); coding-DNA position 1185, G replaced by A.
Protein change: p.Leu395=; no amino-acid change (leucine 395 retained).
Molecular consequence: synonymous variant.
Genome position (GRCh38, 1-based): chrX:50,086,498, G>A. VCF-style: chrX-50086498-G-A. GRCh37 (hg19) VCF-style: chrX-49851155-G-A.
Other names: c.975G>A (NM_000084.4); c.975G>A, p.Leu325= (NM_000084.5); c.1185G>A, p.Leu395= (NM_001127899.4); c.1035G>A, p.Leu345= (NM_001282163.2).
Identifiers: ClinVar variation 2908068 (VCV002908068.5), dbSNP rs1226957608, ClinGen allele CA516678371.